The following is an entry in ClinVar:

NM_173630.4(RTTN):c.2692C>T (p.Pro898Ser)

Gene: RTTN (rotatin; minus strand). Cytogenetic location: 18q22.2.
Variant type: single nucleotide variant.
Coding change: c.2692C>T on transcript NM_173630.4 (MANE Select); coding-DNA position 2692, C replaced by T.
Protein change: p.Pro898Ser; replaces proline 898 with serine.
Molecular consequence: missense variant. On other transcripts: 5 prime UTR variant (1).
Genome position (GRCh38, 1-based): chr18:70,139,695, G>A on the plus strand (C>T on the coding strand, the complement: RTTN is on the minus strand). VCF-style: chr18-70139695-G-A. GRCh37 (hg19) VCF-style: chr18-67806931-G-A.
Other names: c.-45C>T (NM_001318520.2); short protein forms P898S.
Identifiers: ClinVar variation 2314348 (VCV002314348.4), dbSNP rs370508173, ClinGen allele CA402691261.
Genomic context (GRCh38, chr18:70,139,695, plus strand): 5'-AGAGCGAAACACGCATGACTGGATCACCACATAAAACCTTCCTCAAGAGTGTGAGGCATG[G>A]TTGTACCAAACATTCTACAACCTGGGCCAGGAGGAAAAACACAGCTTTTCATTTTCACCA-3'
Protein context (NP_775901.3, residues 888-908): DGKVVECLVQ[Pro898Ser]CLTLLRKVLC

ClinVar aggregate classification (germline): Uncertain significance. Review status: criteria provided, multiple submitters, no conflicts (2 of 4 stars). 2 submissions from 2 submitters: Uncertain significance (2). Last evaluated 2024-02-20.

Conditions:
Inborn genetic diseases. Identifiers: MedGen C0950123, MeSH D030342.

gnomAD v4.1: 1 of 1,611,790 alleles (0.000062%); highest among the groups gnomAD compares: Non-Finnish European, 0.000085%; no homozygotes.

Submissions (2):

Labcorp Genetics (formerly Invitae), Labcorp
Classification: Uncertain significance. Last evaluated: 2024-02-20. Review status: criteria provided, single submitter. Criteria: Invitae Variant Classification Sherloc (09022015). Collection method: clinical testing. Allele origin: germline.
Comment: This sequence change replaces proline, which is neutral and non-polar, with serine, which is neutral and polar, at codon 898 of the RTTN protein (p.Pro898Ser). This variant is present in population databases (no rsID available, gnomAD 0.0009%). This variant has not been reported in the literature in individuals affected with RTTN-related conditions. ClinVar contains an entry for this variant (Variation ID: 2314348). Advanced modeling of protein sequence and biophysical properties (such as structural, functional, and spatial information, amino acid conservation, physicochemical variation, residue mobility, and thermodynamic stability) performed at Invitae indicates that this missense variant is not expected to disrupt RTTN protein function with a negative predictive value of 80%. In summary, the available evidence is currently insufficient to determine the role of this variant in disease. Therefore, it has been classified as a Variant of Uncertain Significance.

Ambry Genetics
Classification: Uncertain significance for Inborn genetic diseases. Last evaluated: 2022-09-28. Review status: criteria provided, single submitter. Criteria: Ambry Variant Classification Scheme 2023. Collection method: clinical testing. Allele origin: germline.